The following is an entry in ClinVar:

ClinVar aggregate classification (germline): Conflicting classifications of pathogenicity. Review status: criteria provided, conflicting classifications (1 of 4 stars). 6 submissions from 6 submitters: Uncertain significance (2); Likely benign (4). Last evaluated 2025-09-23.

Conditions:
Developmental and epileptic encephalopathy, 9 (DEE9). Also called: JUBERG-HELLMAN SYNDROME; Early infantile epileptic encephalopathy 9; PCDH19-Related X-Linked Female-Limited Epilepsy with Mental Retardation; EPILEPSY, FEMALE-RESTRICTED, WITH MENTAL RETARDATION. Identifiers: Orphanet 101039, Orphanet 2076, MedGen C1848137, MONDO:0010246, OMIM 300088. Disease mechanism: loss of function.
Inborn genetic diseases. Identifiers: MedGen C0950123, MeSH D030342.

Allele frequency attached by ClinVar (database versions not stated): gnomAD exomes 0.00006; TOPMed 0.00007; ExAC 0.00008.
gnomAD v4.1: 111 of 1,210,066 alleles (0.0092%); highest among the groups gnomAD compares: Non-Finnish European, 0.012%; no homozygotes.

Submissions (6):

Labcorp Genetics (formerly Invitae), Labcorp
Classification: Uncertain significance for Developmental and epileptic encephalopathy, 9. Last evaluated: 2025-09-23. Review status: criteria provided, single submitter. Criteria: Invitae Variant Classification Sherloc (09022015). Collection method: clinical testing. Allele origin: germline.
Comment: This sequence change replaces isoleucine, which is neutral and non-polar, with methionine, which is neutral and non-polar, at codon 552 of the PCDH19 protein (p.Ile552Met). This variant is present in population databases (rs779051005, gnomAD 0.01%). This missense change has been observed in individual(s) with clinical features of PCDH19-related conditions (internal data). ClinVar contains an entry for this variant (Variation ID: 380283). Invitae Evidence Modeling of protein sequence and biophysical properties (such as structural, functional, and spatial information, amino acid conservation, physicochemical variation, residue mobility, and thermodynamic stability) indicates that this missense variant is not expected to disrupt PCDH19 protein function with a negative predictive value of 95%. In summary, the available evidence is currently insufficient to determine the role of this variant in disease. Therefore, it has been classified as a Variant of Uncertain Significance.

Ambry Genetics
Classification: Likely benign for Inborn genetic diseases. Last evaluated: 2024-12-23. Review status: criteria provided, single submitter. Criteria: Ambry Variant Classification Scheme 2023. Collection method: clinical testing. Allele origin: germline.

CeGaT Center for Human Genetics Tuebingen
Classification: Likely benign. Last evaluated: 2023-07-01. Review status: criteria provided, single submitter. Criteria: CeGaT Center For Human Genetics Tuebingen Variant Classification Criteria Version 2. Collection method: clinical testing. Allele origin: germline. Affected: yes. Observed: 2 variant alleles.
Comment: PCDH19: BS2

Revvity Omics, Revvity
Classification: Uncertain significance for Developmental and epileptic encephalopathy, 9. Last evaluated: 2022-10-24. Review status: criteria provided, single submitter. Criteria: ACMG Guidelines, 2015. Collection method: clinical testing. Allele origin: germline.

Athena Diagnostics
Classification: Likely benign. Last evaluated: 2019-03-11. Review status: criteria provided, single submitter. Criteria: Athena Diagnostics Criteria. Collection method: clinical testing. Allele origin: germline.

GeneDx
Classification: Likely benign. Last evaluated: 2016-11-10. Review status: criteria provided, single submitter. Criteria: GeneDx Variant Classification (06012015). Collection method: clinical testing. Allele origin: germline. Affected: yes.
Comment: This variant is considered likely benign or benign based on one or more of the following criteria: it is a conservative change, it occurs at a poorly conserved position in the protein, it is predicted to be benign by multiple in silico algorithms, and/or has population frequency not consistent with disease.

NM_001184880.2(PCDH19):c.1656C>G (p.Ile552Met)

Gene: PCDH19 (protocadherin 19; minus strand). Cytogenetic location: Xq22.1.
Variant type: single nucleotide variant.
Coding change: c.1656C>G on transcript NM_001184880.2 (MANE Select); coding-DNA position 1656, C replaced by G.
Protein change: p.Ile552Met; replaces isoleucine 552 with methionine.
Molecular consequence: missense variant.
Genome position (GRCh38, 1-based): chrX:100,406,942, G>C on the plus strand (C>G on the coding strand, the complement: PCDH19 is on the minus strand). VCF-style: chrX-100406942-G-C. GRCh37 (hg19) VCF-style: chrX-99661940-G-C.
Other names: c.1656C>G, p.Ile552Met (NM_001105243.2, NM_020766.3); short protein forms I552M.
Identifiers: ClinVar variation 380283 (VCV000380283.41), dbSNP rs779051005, ClinGen allele CA10468857.